The following is an entry in ClinVar:

ClinVar aggregate classification (germline): Pathogenic (1 of 4 stars; one submission).

Conditions:
Familial adenomatous polyposis 1 (FAP1). Also called: POLYPOSIS, ADENOMATOUS INTESTINAL; FAMILIAL ADENOMATOUS POLYPOSIS 1, ATTENUATED. Identifiers: MedGen C2713442, MONDO:0021056, OMIM 175100. Disease mechanism: loss of function.

Submission:

Myriad Genetics, Inc.
Classification: Pathogenic for Familial adenomatous polyposis 1. Last evaluated: 2023-05-12. Review status: criteria provided, single submitter. Criteria: Myriad Autosomal Dominant, Autosomal Recessive and X-Linked Classification Criteria (2023). Collection method: clinical testing. Allele origin: unknown.
Comment: This variant is considered pathogenic. This variant creates a frameshift predicted to result in premature protein truncation.

NM_000038.6(APC):c.5028del (p.Gly1677fs)

Gene: APC (APC regulator of Wnt signaling pathway; plus strand). Cytogenetic location: 5q22.2.
Variant type: Deletion.
Coding change: c.5028del on transcript NM_000038.6 (MANE Select); coding-DNA position 5028, one base deleted (A; older notation c.5028delA).
Protein change: p.Gly1677fs; shifts the reading frame from glycine 1677.
Molecular consequence: frameshift variant. On other transcripts: non-coding transcript variant (2).
Genome position (GRCh38, 1-based): chr5:112,840,622, A deleted. VCF-style (leftmost placement, unchanged base first): chr5-112840621-GA-G. GRCh37 (hg19) VCF-style: chr5-112176318-GA-G.
Other names: c.5028del, p.Gly1677fs (NM_001127510.3, NM_001354895.2, NM_001407450.1); c.4974del, p.Gly1659fs (NM_001127511.3); c.5082del, p.Gly1695fs (NM_001354896.2, NM_001407447.1, NM_001407448.1 and 1 more transcripts); c.5058del, p.Gly1687fs (NM_001354897.2); c.4953del, p.Gly1652fs (NM_001354898.2); c.4944del, p.Gly1649fs (NM_001354899.2); c.4905del, p.Gly1636fs (NM_001354900.2); c.4851del, p.Gly1618fs (NM_001354901.2, NM_001407453.1); and 11 more; short protein forms G1293fs, G1394fs, G1517fs, G1548fs, G1551fs, G1576fs, G1586fs, G1594fs.
Identifiers: ClinVar variation 2583268 (VCV002583268.2), dbSNP rs2533615763, ClinGen allele CA2582341410.